The following is an entry in ClinVar:

ClinVar aggregate classification (germline): Conflicting classifications of pathogenicity. Review status: criteria provided, conflicting classifications (1 of 4 stars). 10 submissions from 8 submitters: Uncertain significance (6); Benign (1); Likely benign (3). Last evaluated 2025-11-04.

Conditions:
Hereditary spherocytosis type 3. Also called: SPTA1-Related Spherocytosis; Spherocytosis type 3. Identifiers: Orphanet 822, MedGen C2678338, MONDO:0010053, OMIM 270970.
Elliptocytosis 2 (EL2). Also called: ELLIPTOCYTOSIS, RHESUS-UNLINKED TYPE. Identifiers: Orphanet 288, MedGen C1851741, MONDO:0007533, OMIM 130600.
Pyropoikilocytosis, hereditary. Also called: Pyropoikilocytosis. Identifiers: MedGen C0520739, MONDO:0009948, OMIM 266140, HP:0004839. Disease mechanism: loss of function.

Allele frequency attached by ClinVar (database versions not stated): TOPMed 0.00077; 1000 Genomes Project 30x 0.00078; 1000 Genomes Project 0.00080; ESP Exome Variant Server 0.00091; gnomAD exomes 0.00092; ExAC 0.00093; gnomAD 0.00105 and 0.00108.
gnomAD v4.1: 1,859 of 1,614,038 alleles (0.12%); highest among the groups gnomAD compares: Non-Finnish European, 0.14%; 3 homozygotes.

Submissions (10):

Labcorp Genetics (formerly Invitae), Labcorp
Classification: Benign. Last evaluated: 2025-11-04. Review status: criteria provided, single submitter. Criteria: Invitae Variant Classification Sherloc (09022015). Collection method: clinical testing. Allele origin: germline.

CeGaT Center for Human Genetics Tuebingen
Classification: Likely benign. Last evaluated: 2025-09-01. Review status: criteria provided, single submitter. Criteria: CeGaT Center For Human Genetics Tuebingen Variant Classification Criteria Version 2. Collection method: clinical testing. Allele origin: germline. Affected: yes. Observed: 5 variant alleles.
Comment: SPTA1: BP4, BS2

GeneDx
Classification: Uncertain significance. Last evaluated: 2025-06-19. Review status: criteria provided, single submitter. Criteria: GeneDx Variant Classification Process June 2021. Collection method: clinical testing. Allele origin: germline. Affected: yes.
Comment: In silico analysis supports that this missense variant has a deleterious effect on protein structure/function; Has not been previously published as pathogenic or benign to our knowledge

Blueprint Genetics
Classification: Likely benign. Last evaluated: 2024-11-21. Review status: criteria provided, single submitter. Criteria: ACMG Guidelines, 2015. Collection method: clinical testing. Allele origin: germline.

Revvity Omics, Revvity
Classification: Uncertain significance. Last evaluated: 2024-10-07. Review status: criteria provided, single submitter. Criteria: ACMG Guidelines, 2015. Collection method: clinical testing. Allele origin: germline.

ARUP Laboratories, Molecular Genetics and Genomics, ARUP Laboratories
Classification: Uncertain significance. Last evaluated: 2024-03-07. Review status: criteria provided, single submitter. Criteria: ARUP Molecular Germline Variant Investigation Process 2024. Collection method: clinical testing. Allele origin: germline.

Mayo Clinic Laboratories, Mayo Clinic
Classification: Uncertain significance. Last evaluated: 2021-05-17. Review status: criteria provided, single submitter. Criteria: ACMG Guidelines, 2015. Collection method: clinical testing. Allele origin: germline.

Illumina Laboratory Services, Illumina
Classification: Likely benign for Elliptocytosis 2. Last evaluated: 2018-01-13. Review status: criteria provided, single submitter. Criteria: ICSL Variant Classification Criteria 13 December 2019. Collection method: clinical testing. Allele origin: germline.
Comment: This variant was observed in the ICSL laboratory as part of a predisposition screen in an ostensibly healthy population. It had not been previously curated by ICSL or reported in the Human Gene Mutation Database (HGMD: prior to June 1st, 2018), and was therefore a candidate for classification through an automated scoring system. Utilizing variant allele frequency, disease prevalence and penetrance estimates, and inheritance mode, an automated score was calculated to assess if this variant is too frequent to cause the disease. Based on the score and internal cut-off values, a variant classified as likely benign is not then subjected to further curation. The score for this variant resulted in a classification of likely benign for this disease.

Illumina Laboratory Services, Illumina
Classification: Uncertain significance for Hereditary spherocytosis type 3. Last evaluated: 2018-01-13. Review status: criteria provided, single submitter. Criteria: ICSL Variant Classification Criteria 13 December 2019. Collection method: clinical testing. Allele origin: germline.

Illumina Laboratory Services, Illumina
Classification: Uncertain significance for Pyropoikilocytosis, hereditary. Last evaluated: 2018-01-13. Review status: criteria provided, single submitter. Criteria: ICSL Variant Classification Criteria 13 December 2019. Collection method: clinical testing. Allele origin: germline.

NM_003126.4(SPTA1):c.2600C>A (p.Ala867Glu)

Gene: SPTA1 (spectrin alpha, erythrocytic 1; minus strand). Cytogenetic location: 1q23.1.
Variant type: single nucleotide variant.
Coding change: c.2600C>A on transcript NM_003126.4 (MANE Select); coding-DNA position 2600, C replaced by A.
Protein change: p.Ala867Glu; replaces alanine 867 with glutamic acid.
Molecular consequence: missense variant.
Genome position (GRCh38, 1-based): chr1:158,657,682, G>T on the plus strand (C>A on the coding strand, the complement: SPTA1 is on the minus strand). VCF-style: chr1-158657682-G-T. GRCh37 (hg19) VCF-style: chr1-158627472-G-T.
Other names: p.Ala867Glu; short protein forms A867E.
Identifiers: ClinVar variation 874706 (VCV000874706.47), dbSNP rs115877891, ClinGen allele CA1183329.
Genomic context (GRCh38, chr1:158,657,682, plus strand): 5'-CGAGCACGGAGAGACTCCATATTCTGGTTCAAACTCTTGACCCTAGAGGCCACATCTTCT[G>T]CAGCAAAGTGTCCTATGGAGTAATTATAGAAAAGGTGAGTATGATCCTCATGAGTGTTTA-3'
Protein context (NP_003117.2, residues 857-877): NKMVEEGHFA[Ala867Glu]EDVASRVKSL